The following is an entry in ClinVar:

ClinVar aggregate classification (germline): Likely benign (0 of 4 stars; one submission).

Conditions:
TCF12-related disorder. Also called: TCF12-related condition.

Allele frequency attached by ClinVar (database versions not stated): gnomAD exomes 0.00005; gnomAD 0.00007; TOPMed 0.00008; ExAC 0.00010.
gnomAD v4.1: 92 of 1,613,860 alleles (0.0057%); highest among the groups gnomAD compares: Non-Finnish European, 0.0021%; no homozygotes.

Submission:

PreventionGenetics, part of Exact Sciences
Classification: Likely benign for TCF12-related condition. Last evaluated: 2021-09-10. Review status: no assertion criteria provided. Collection method: clinical testing. Allele origin: germline.
Comment: This variant is classified as likely benign based on ACMG/AMP sequence variant interpretation guidelines (Richards et al. 2015 PMID: 25741868, with internal and published modifications).

NM_207037.2(TCF12):c.1140A>C (p.Gly380=)

Gene: TCF12 (transcription factor 12; plus strand). Cytogenetic location: 15q21.3.
Variant type: single nucleotide variant.
Coding change: c.1140A>C on transcript NM_207037.2 (MANE Select); coding-DNA position 1140, A replaced by C.
Protein change: p.Gly380=; no amino-acid change (glycine 380 retained).
Molecular consequence: synonymous variant.
Genome position (GRCh38, 1-based): chr15:57,251,375, A>C. VCF-style: chr15-57251375-A-C. GRCh37 (hg19) VCF-style: chr15-57543573-A-C.
Other names: c.630A>C, p.Gly210= (NM_001306219.3, NM_207040.2); c.432A>C, p.Gly144= (NM_001306220.3); c.1140A>C, p.Gly380= (NM_001322151.2, NM_001322152.2, NM_001322157.3 and 7 more transcripts); c.483A>C, p.Gly161= (NM_001322154.2); c.966A>C, p.Gly322= (NM_001322156.2, NM_001322158.2); c.1176A>C, p.Gly392= (NM_001322164.2).
Identifiers: ClinVar variation 3036045 (VCV003036045.2), dbSNP rs776083558, ClinGen allele CA7581166.
Genomic context (GRCh38, chr15:57,251,375, plus strand): 5'-AACCCAGGTGTGTGGCTACTTTTGGGTTTTAACAGGTACCAGTCAGTGGCCAAGACCTGG[A>C]GGGCAAGCACCTTCATCCCCAAGCTATGAAAACTCACTCCACTCCCTGGTAAGAGCCTCT-3'
Protein context (NP_996920.1, residues 370-390): LTGTSQWPRP[Gly380=]GQAPSSPSYE